The following is an entry in ClinVar:

ClinVar aggregate classification (germline): Pathogenic (1 of 4 stars; one submission).

Conditions:
Breast-ovarian cancer, familial, susceptibility to, 3. Also called: RAD51C-Related Breast/Ovarian Cancer. Identifiers: Orphanet 145, MedGen C3150659, MONDO:0013253, OMIM 613399.

Submission:

Myriad Genetics, Inc.
Classification: Pathogenic for Breast-ovarian cancer, familial, susceptibility to, 3. Last evaluated: 2024-09-18. Review status: criteria provided, single submitter. Criteria: Myriad Autosomal Dominant, Autosomal Recessive and X-Linked Classification Criteria (2023). Collection method: clinical testing. Allele origin: unknown.
Comment: This variant is considered pathogenic. This variant creates a termination codon and is predicted to result in premature protein truncation.

NM_058216.3(RAD51C):c.348del (p.Pro116_Leu117insTer)

Gene: RAD51C (RAD51 paralog C; plus strand). Cytogenetic location: 17q22.
Variant type: Deletion.
Coding change: c.348del on transcript NM_058216.3 (MANE Select); coding-DNA position 348, one base deleted (C; older notation c.348delC).
Protein change: p.Pro116_Leu117insTer.
Molecular consequence: frameshift variant. On other transcripts: non-coding transcript variant (2).
Genome position (GRCh38, 1-based): chr17:58,695,133, C deleted; the last of 3 consecutive C bases (chr17:58,695,131-58,695,133); deleting any one gives the same sequence. VCF-style (leftmost placement, unchanged base first): chr17-58695130-GC-G. GRCh37 (hg19) VCF-style: chr17-56772491-GC-G.
Other names: c.348del, p.Pro116_Leu117insTer (NM_002876.4).
Identifiers: ClinVar variation 3379282 (VCV003379282.1).